The following is an entry in ClinVar:

ClinVar aggregate classification (germline): Conflicting classifications of pathogenicity. Review status: criteria provided, conflicting classifications (1 of 4 stars). 4 submissions from 3 submitters: Uncertain significance (3); Benign (1). Last evaluated 2026-01-20.

Conditions:
Adams-Oliver syndrome 5 (AOS5). Identifiers: Orphanet 974, MedGen C4014970, MONDO:0014459, OMIM 616028.
Aortic valve disease 1 (AOVD1). Identifiers: MedGen C3887892, MONDO:0024523, OMIM 109730.

Allele frequency attached by ClinVar (database versions not stated): ExAC 0.00022; TOPMed 0.00004.
gnomAD v4.1: 117 of 1,540,688 alleles (0.0076%); highest among the groups gnomAD compares: Non-Finnish European, 0.0065%; no homozygotes.

Submissions (4):

Labcorp Genetics (formerly Invitae), Labcorp
Classification: Benign for Adams-Oliver syndrome 5. Last evaluated: 2026-01-20. Review status: criteria provided, single submitter. Criteria: Invitae Variant Classification Sherloc (09022015). Collection method: clinical testing. Allele origin: germline.

GeneDx
Classification: Uncertain significance. Last evaluated: 2024-07-29. Review status: criteria provided, single submitter. Criteria: GeneDx Variant Classification Process June 2021. Collection method: clinical testing. Allele origin: germline. Affected: yes.
Comment: Has been reported as a likely benign variant in an individual with bicuspid aortic valve in published literature (PMID: 26820064); In silico analysis supports a deleterious effect on splicing; In silico analysis supports that this missense variant does not alter protein structure/function; This variant is associated with the following publications: (PMID: 26820064)

Genome-Nilou Lab
Classification: Uncertain significance for Adams-Oliver syndrome 5. Last evaluated: 2022-03-15. Review status: criteria provided, single submitter. Criteria: ACMG Guidelines, 2015. Collection method: clinical testing. Allele origin: germline. Affected: no.

Genome-Nilou Lab
Classification: Uncertain significance for Aortic valve disease 1. Last evaluated: 2022-03-15. Review status: criteria provided, single submitter. Criteria: ACMG Guidelines, 2015. Collection method: clinical testing. Allele origin: germline. Affected: no.

NM_017617.5(NOTCH1):c.4971C>G (p.Ser1657Arg)

Gene: NOTCH1 (notch receptor 1; minus strand). Cytogenetic location: 9q34.3.
Variant type: single nucleotide variant.
Coding change: c.4971C>G on transcript NM_017617.5 (MANE Select); coding-DNA position 4971, C replaced by G.
Protein change: p.Ser1657Arg; replaces serine 1657 with arginine.
Molecular consequence: missense variant.
Genome position (GRCh38, 1-based): chr9:136,504,720, G>C on the plus strand (C>G on the coding strand, the complement: NOTCH1 is on the minus strand). VCF-style: chr9-136504720-G-C. GRCh37 (hg19) VCF-style: chr9-139399172-G-C.
Other names: c.4971C>G, p.Ser1657Arg (LRG_1122t1); short protein forms S1657R.
Identifiers: ClinVar variation 180459 (VCV000180459.12), dbSNP rs367838230, ClinGen allele CA346558.